The following is an entry in ClinVar:

NM_020975.6(RET):c.*492G>C

Gene: RET (ret proto-oncogene; plus strand). Cytogenetic location: 10q11.21.
Variant type: single nucleotide variant.
Coding change: c.*492G>C on transcript NM_020975.6 (MANE Select); 492 bases downstream of the stop codon, G replaced by C.
Molecular consequence: 3 prime UTR variant.
Genome position (GRCh38, 1-based): chr10:43,128,761, G>C. VCF-style: chr10-43128761-G-C. GRCh37 (hg19) VCF-style: chr10-43624209-G-C.
Identifiers: ClinVar variation 877445 (VCV000877445.5), dbSNP rs568766449, ClinGen allele CA206268263.

ClinVar aggregate classification (germline): Benign/Likely benign. Review status: criteria provided, single submitter (1 of 4 stars). 4 submissions from 1 submitter: Benign (2); Likely benign (2). Last evaluated 2018-01-13.

Conditions:
Multiple endocrine neoplasia. Identifiers: Orphanet 276161, MedGen C0027662, MONDO:0017169.
Pheochromocytoma. Also called: MAX-Related Hereditary Paraganglioma-Pheochromocytoma Syndrome. Identifiers: Orphanet 29072, MedGen C0031511, MONDO:0008233, OMIM 171300, HP:0002666.
Hirschsprung disease, susceptibility to, 1 (HSCR1). Also called: RET-Related Hirschsprung Disease. Identifiers: Orphanet 388, MedGen C3888239, MONDO:0007723, OMIM 142623.
Renal hypodysplasia/aplasia 1 (RHDA1). Also called: HEREDITARY RENAL APLASIA; RENAL APLASIA. Identifiers: Orphanet 411709, MedGen C1619700, MONDO:0024519, OMIM 191830.

Allele frequency attached by ClinVar (database versions not stated): TOPMed 0.00012; 1000 Genomes Project 0.00060.
gnomAD v4.1: 247 of 284,464 alleles (0.087%); highest among the groups gnomAD compares: East Asian, 1.2%; 1 homozygote.

Submissions (4):

Illumina Laboratory Services, Illumina
Classification: Likely benign for Renal hypodysplasia/aplasia 1. Last evaluated: 2018-01-13. Review status: criteria provided, single submitter. Criteria: ICSL Variant Classification Criteria 13 December 2019. Collection method: clinical testing. Allele origin: germline.
Comment: This variant was observed in the ICSL laboratory as part of a predisposition screen in an ostensibly healthy population. It had not been previously curated by ICSL or reported in the Human Gene Mutation Database (HGMD: prior to June 1st, 2018), and was therefore a candidate for classification through an automated scoring system. Utilizing variant allele frequency, disease prevalence and penetrance estimates, and inheritance mode, an automated score was calculated to assess if this variant is too frequent to cause the disease. Based on the score and internal cut-off values, a variant classified as likely benign is not then subjected to further curation. The score for this variant resulted in a classification of likely benign for this disease.

Illumina Laboratory Services, Illumina
Classification: Benign for Multiple endocrine neoplasia. Last evaluated: 2018-01-13. Review status: criteria provided, single submitter. Criteria: ICSL Variant Classification Criteria 13 December 2019. Collection method: clinical testing. Allele origin: germline.
Comment: This variant was observed in the ICSL laboratory as part of a predisposition screen in an ostensibly healthy population. It had not been previously curated by ICSL or reported in the Human Gene Mutation Database (HGMD: prior to June 1st, 2018), and was therefore a candidate for classification through an automated scoring system. Utilizing variant allele frequency, disease prevalence and penetrance estimates, and inheritance mode, an automated score was calculated to assess if this variant is too frequent to cause the disease. Based on the score and internal cut-off values, a variant classified as benign is not then subjected to further curation. The score for this variant resulted in a classification of benign for this disease.

Illumina Laboratory Services, Illumina
Classification: Benign for Pheochromocytoma. Last evaluated: 2018-01-13. Review status: criteria provided, single submitter. Criteria: ICSL Variant Classification Criteria 13 December 2019. Collection method: clinical testing. Allele origin: germline.
Comment: the same text as in the submission from Illumina Laboratory Services, Illumina above.

Illumina Laboratory Services, Illumina
Classification: Likely benign for Hirschsprung disease, susceptibility to, 1. Last evaluated: 2018-01-13. Review status: criteria provided, single submitter. Criteria: ICSL Variant Classification Criteria 13 December 2019. Collection method: clinical testing. Allele origin: germline.
Comment: the same text as in the submission from Illumina Laboratory Services, Illumina above.